The following is an entry in ClinVar:

ClinVar aggregate classification (germline): Uncertain significance (1 of 4 stars; one submission).

Conditions:
Combined immunodeficiency due to DOCK8 deficiency (HIES2). Also called: Hyper-IgE recurrent infection syndrome, autosomal recessive; HIES autosomal recessive; DOCK8 Deficiency; HYPER-IgE RECURRENT INFECTION SYNDROME 2, AUTOSOMAL RECESSIVE; HYPER-IgE SYNDROME 2, AUTOSOMAL RECESSIVE, WITH RECURRENT INFECTIONS. Identifiers: Orphanet 217390, MedGen C4722305, MONDO:0009478, OMIM 243700.

gnomAD v4.1: 3 of 1,614,084 alleles (0.00019%); highest among the groups gnomAD compares: Non-Finnish European, 0.00025%; no homozygotes.

Submission:

Labcorp Genetics (formerly Invitae), Labcorp
Classification: Uncertain significance for Combined immunodeficiency due to DOCK8 deficiency. Last evaluated: 2020-07-30. Review status: criteria provided, single submitter. Criteria: Invitae Variant Classification Sherloc (09022015). Collection method: clinical testing. Allele origin: germline.
Comment: In summary, the available evidence is currently insufficient to determine the role of this variant in disease. Therefore, it has been classified as a Variant of Uncertain Significance. Algorithms developed to predict the effect of sequence changes on RNA splicing suggest that this variant may disrupt the consensus splice site, but this prediction has not been confirmed by published transcriptional studies. Algorithms developed to predict the effect of missense changes on protein structure and function (SIFT, PolyPhen-2, Align-GVGD) all suggest that this variant is likely to be disruptive, but these predictions have not been confirmed by published functional studies and their clinical significance is uncertain. This variant has not been reported in the literature in individuals with DOCK8-related conditions. This variant is not present in population databases (ExAC no frequency). This sequence change replaces lysine with asparagine at codon 623 of the DOCK8 protein (p.Lys623Asn). The lysine residue is highly conserved and there is a moderate physicochemical difference between lysine and asparagine.

NM_203447.4(DOCK8):c.1869G>T (p.Lys623Asn)

Gene: DOCK8 (dedicator of cytokinesis 8; plus strand). Cytogenetic location: 9p24.3.
Variant type: single nucleotide variant.
Coding change: c.1869G>T on transcript NM_203447.4 (MANE Select); coding-DNA position 1869, G replaced by T.
Protein change: p.Lys623Asn; replaces lysine 623 with asparagine.
Molecular consequence: missense variant.
Genome position (GRCh38, 1-based): chr9:371,428, G>T. VCF-style: chr9-371428-G-T. GRCh37 (hg19) VCF-style: chr9-371428-G-T.
Other names: c.1665G>T, p.Lys555Asn (NM_001190458.2, NM_001193536.2); short protein forms K555N, K623N.
Identifiers: ClinVar variation 1037609 (VCV001037609.9), dbSNP rs1216097259, ClinGen allele CA372761333.